The following is an entry in ClinVar:

ClinVar aggregate classification (germline): Uncertain significance (1 of 4 stars; one submission).

Submission:

GeneDx
Classification: Uncertain significance. Last evaluated: 2019-04-04. Review status: criteria provided, single submitter. Criteria: GeneDx Variant Classification Process June 2021. Collection method: clinical testing. Allele origin: germline. Affected: yes.
Comment: Not observed in large population cohorts (Lek et al., 2016); In silico analysis, which includes protein predictors and evolutionary conservation, supports that this variant does not alter protein structure/function; Has not been previously published as pathogenic or benign to our knowledge

NM_000017.4(ACADS):c.650T>C (p.Met217Thr)

Gene: ACADS (acyl-CoA dehydrogenase short chain; plus strand). Cytogenetic location: 12q24.31.
Variant type: single nucleotide variant.
Coding change: c.650T>C on transcript NM_000017.4 (MANE Select); coding-DNA position 650, T replaced by C.
Protein change: p.Met217Thr; replaces methionine 217 with threonine.
Molecular consequence: missense variant.
Genome position (GRCh38, 1-based): chr12:120,738,305, T>C. VCF-style: chr12-120738305-T-C. GRCh37 (hg19) VCF-style: chr12-121176108-T-C.
Other names: c.638T>C, p.Met213Thr (NM_001302554.2); short protein forms M213T, M217T.
Identifiers: ClinVar variation 1305047 (VCV001305047.2), dbSNP rs1472894784, ClinGen allele CA386600798.
Genomic context (GRCh38, chr12:120,738,305, plus strand): 5'-GCAGCTCTGAGAAAACCACCCGCCTCTCCTTTCAGGGCATCAGTGCCTTCCTGGTCCCCA[T>C]GCCAACGCCTGGGCTCACGTTGGGGAAGAAAGAAGACAAGCTGGGCATCCGGGGCTCATC-3'
Protein context (NP_000008.1, residues 207-227): NKGISAFLVP[Met217Thr]PTPGLTLGKK